The following is an entry in ClinVar:

ClinVar aggregate classification (germline): Conflicting classifications of pathogenicity. Review status: criteria provided, conflicting classifications (1 of 4 stars). 2 submissions from 2 submitters: Uncertain significance (1); Benign (1). Last evaluated 2026-01-27.

Conditions:
Familial thoracic aortic aneurysm and aortic dissection (TAAD). Also called: Thoracic aortic aneurysms and dissections. Identifiers: Orphanet 91387, MedGen C4707243, MONDO:0019625.
Congenital contractural arachnodactyly (CCA). Also called: BEALS SYNDROME; Beals-Hecht syndrome; Arthrogryposis, distal, type 9. Identifiers: Orphanet 115, MedGen C0220668, MONDO:0007363, OMIM 121050.

Allele frequency attached by ClinVar (database versions not stated): ExAC 0.00001; ESP Exome Variant Server 0.00008; gnomAD 0.00010.
gnomAD v4.1: 27 of 1,613,700 alleles (0.0017%); highest among the groups gnomAD compares: African/African-American, 0.035%; no homozygotes.

Submissions (2):

Labcorp Genetics (formerly Invitae), Labcorp
Classification: Benign for Congenital contractural arachnodactyly. Last evaluated: 2026-01-27. Review status: criteria provided, single submitter. Criteria: Invitae Variant Classification Sherloc (09022015). Collection method: clinical testing. Allele origin: germline.

Ambry Genetics
Classification: Uncertain significance for Familial thoracic aortic aneurysm and aortic dissection. Last evaluated: 2025-05-07. Review status: criteria provided, single submitter. Criteria: Ambry Variant Classification Scheme 2023. Collection method: clinical testing. Allele origin: germline.
Comment: The p.D1866E variant (also known as c.5598C>G), located in coding exon 44 of the FBN2 gene, results from a C to G substitution at nucleotide position 5598. The aspartic acid at codon 1866 is replaced by glutamic acid, an amino acid with highly similar properties. This amino acid position is well conserved in available vertebrate species. In addition, the in silico prediction for this alteration is inconclusive. Based on the available evidence, the clinical significance of this variant remains unclear.

NM_001999.4(FBN2):c.5598C>G (p.Asp1866Glu)

Gene: FBN2 (fibrillin 2; minus strand). Cytogenetic location: 5q23.3.
Variant type: single nucleotide variant.
Coding change: c.5598C>G on transcript NM_001999.4 (MANE Select); coding-DNA position 5598, C replaced by G.
Protein change: p.Asp1866Glu; replaces aspartic acid 1866 with glutamic acid.
Molecular consequence: missense variant.
Genome position (GRCh38, 1-based): chr5:128,305,587, G>C on the plus strand (C>G on the coding strand, the complement: FBN2 is on the minus strand). VCF-style: chr5-128305587-G-C. GRCh37 (hg19) VCF-style: chr5-127641279-G-C.
Other names: c.5598C>G (NM_001999.3); short protein forms D1866E.
Identifiers: ClinVar variation 2898288 (VCV002898288.4), dbSNP rs140663455, ClinGen allele CA3394661.
Genomic context (GRCh38, chr5:128,305,587, plus strand): 5'-GGGTGAAAGTTTGAAACCCGCGGCACATTCACAGCGGTAACTACCAGGACTATTGATGCA[G>C]TCTGCATTCCGCTGGCAGAGATTATCACCATTGCTGCACTCATCTATATCTGAAAGAGCA-3'
Protein context (NP_001990.2, residues 1856-1876): NGDNLCQRNA[Asp1866Glu]CINSPGSYRC